The following is an entry in ClinVar:

ClinVar aggregate classification (germline): Uncertain significance (1 of 4 stars; one submission).

Conditions:
Rubinstein-Taybi syndrome due to EP300 haploinsufficiency. Also called: EP300-Related Rubinstein-Taybi Syndrome; RUBINSTEIN-TAYBI SYNDROME 2. Identifiers: Orphanet 353284, Orphanet 783, MedGen C3150941, MONDO:0013364, OMIM 613684.

Submission:

Labcorp Genetics (formerly Invitae), Labcorp
Classification: Uncertain significance for Rubinstein-Taybi syndrome due to EP300 haploinsufficiency. Last evaluated: 2026-02-03. Review status: criteria provided, single submitter. Criteria: Invitae Variant Classification Sherloc (09022015). Collection method: clinical testing. Allele origin: germline.
Comment: This sequence change replaces leucine, which is neutral and non-polar, with phenylalanine, which is neutral and non-polar, at codon 1580 of the EP300 protein (p.Leu1580Phe). This variant is not present in population databases (gnomAD no frequency). This variant has not been reported in the literature in individuals affected with EP300-related conditions. Invitae Evidence Modeling of protein sequence and biophysical properties (such as structural, functional, and spatial information, amino acid conservation, physicochemical variation, residue mobility, and thermodynamic stability) indicates that this missense variant is expected to disrupt EP300 protein function with a positive predictive value of 80%. In summary, the available evidence is currently insufficient to determine the role of this variant in disease. Therefore, it has been classified as a Variant of Uncertain Significance.

NM_001429.4(EP300):c.4738C>T (p.Leu1580Phe)

Gene: EP300 (EP300 lysine acetyltransferase; plus strand). Cytogenetic location: 22q13.2.
Variant type: single nucleotide variant.
Coding change: c.4738C>T on transcript NM_001429.4 (MANE Select); coding-DNA position 4738, C replaced by T.
Protein change: p.Leu1580Phe; replaces leucine 1580 with phenylalanine.
Molecular consequence: missense variant.
Genome position (GRCh38, 1-based): chr22:41,173,743, C>T. VCF-style: chr22-41173743-C-T. GRCh37 (hg19) VCF-style: chr22-41569747-C-T.
Other names: c.4660C>T, p.Leu1554Phe (NM_001362843.2); short protein forms L1554F, L1580F.
Identifiers: ClinVar variation 4743213 (VCV004743213.1).